The following is an entry in ClinVar:

NM_000500.9(CYP21A2):c.1019G>A (p.Arg340His)

Genes: CYP21A2 (cytochrome P450 family 21 subfamily A member 2; plus strand), LOC106780800 (CYP21A2 recombination region; plus strand). Cytogenetic location: 6p21.33.
Variant type: single nucleotide variant.
Coding change: c.1019G>A on transcript NM_000500.9 (MANE Select); coding-DNA position 1019, G replaced by A.
Protein change: p.Arg340His; replaces arginine 340 with histidine.
Molecular consequence: missense variant.
Genome position (GRCh38, 1-based): chr6:32,040,485, G>A. VCF-style: chr6-32040485-G-A. GRCh37 (hg19) VCF-style: chr6-32008262-G-A.
Other names: R339H; c.1019G>A (NM_000500.7); c.929G>A, p.Arg310His (NM_001128590.4); c.614G>A, p.Arg205His (NM_001368143.2, NM_001368144.2); short protein forms R205H, R310H, R340H.
Identifiers: ClinVar variation 1341485 (VCV001341485.4), dbSNP rs72552754, ClinGen allele CA3732614.

ClinVar aggregate classification (germline): Pathogenic. Review status: criteria provided, multiple submitters, no conflicts (2 of 4 stars). 2 submissions from 2 submitters: Pathogenic (2). Last evaluated 2026-06-03.

Conditions:
21-Hydroxylase-Deficient Congenital Adrenal Hyperplasia. Also called: ADRENAL HYPERPLASIA, CONGENITAL, DUE TO 21-HYDROXYLASE DEFICIENCY; ADRENAL HYPERPLASIA III. Identifiers: MedGen C2936858, OMIM 201910.
CYP21A2-related disorder. Also called: CYP21A2-related condition.

Allele frequency attached by ClinVar (database versions not stated): gnomAD exomes below 0.00001 and 0.00001; ExAC 0.00001.

Submissions (2):

PreventionGenetics, part of Exact Sciences
Classification: Pathogenic for CYP21A2-related condition. Last evaluated: 2026-06-03. Review status: criteria provided, single submitter. Criteria: ACMG Guidelines, 2015. Collection method: clinical testing. Allele origin: germline.
Comment: The CYP21A2 c.1019G>A variant is predicted to result in the amino acid substitution p.Arg340His. This variant is also referred to as R339H in the literature based on legacy nomenclature. This variant has been reported in the compound heterozygous state with a sever pathogenic variant [which is associated with salt-wasting (SW) congenital adrenal hyperplasia (CAH)] in individuals with non-classic (NC) CAH (Helmberg et al. 1992. PubMed ID: 1406709; Jeske et al. 2009. PubMed ID: 19449670). This variant has been reported to be present in cis with another NC-CAH-associated variant c.1360C>T (p.Pro454Ser) (also known as P453S), likely constituting a NC-CAH-associated allele (see for example, Helmberg et al. 1992. PubMed ID: 1406709; Jeske et al. 2009. PubMed ID: 19449670). In a functional assay, the c.1019G>A (p.Arg340His) variant was shown to decrease enzymatic activity to the level similar to the effect of the well-documented NC-CAH-associated variants c.844G>T (p.Val282Leu) (also known as V281L) and c.92C>T (p.Pro31Leu) (also known as P30L) (Helmberg et al. 1992. PubMed ID: 1406709). An in silico evaluation supported the NC-CAH-associated effect of this variant in disturbing oxidoreductase interactions (Haider et al. 2013. PubMed ID: 23359706). However, this variant with c.1360C>T (p.Pro454Ser) in cis was also reported in the compound heterozygous state with a simple-virilizing (SV)-CAH-associated variant c.518T>A (p.Ile173Asn) (also known as I172N) in an individual with SV-CAH (Turan et al. 2019. PubMed ID: 31586465). This variant is reported in 0.0033% of alleles in individuals of South Asian descent in gnomAD. This variant falls within a highly paralogous region. Allele frequency data should be interpreted with caution. This variant is interpreted as pathogenic and is likely predominantly associated with NC-CAH.

Intergen Genetics and Rare Diseases Diagnosis Center
Classification: Pathogenic for 21-Hydroxylase-Deficient Congenital Adrenal Hyperplasia. Last evaluated: 2023-07-26. Review status: criteria provided, single submitter. Criteria: ACMG Guidelines, 2015. Collection method: clinical testing. Allele origin: germline. Inheritance: Autosomal recessive inheritance. Affected: yes. Observed: 1 heterozygote.